The following is an entry in ClinVar:

ClinVar aggregate classification (germline): Pathogenic/Likely pathogenic. Review status: criteria provided, multiple submitters, no conflicts (2 of 4 stars). 2 submissions from 2 submitters: Pathogenic (1); Likely pathogenic (1). Last evaluated 2025-03-27.

Conditions:
Aland island eye disease (AIED). Also called: Forsius Eriksson type ocular albinism. Identifiers: Orphanet 178333, MedGen C0268505, MONDO:0010371, OMIM 300600.
Congenital stationary night blindness 2A (CSNB2A). Also called: CACNA1F-Related X-Linked Congenital Stationary Night Blindness; CSNB, INCOMPLETE, X-LINKED; NIGHT BLINDNESS, CONGENITAL STATIONARY, TYPE 2; Night blindness, congenital stationary (incomplete), 2A, X-linked. Identifiers: Orphanet 215, MedGen C1848172, MONDO:0010241, OMIM 300071.
X-linked cone-rod dystrophy 3 (CORDX3). Identifiers: Orphanet 1872, MedGen C1845407, MONDO:0010335, OMIM 300476.

Submissions (2):

Labcorp Genetics (formerly Invitae), Labcorp
Classification: Pathogenic. Last evaluated: 2025-03-27. Review status: criteria provided, single submitter. Criteria: Invitae Variant Classification Sherloc (09022015). Collection method: clinical testing. Allele origin: germline.
Comment: This sequence change creates a premature translational stop signal (p.Tyr1823*) in the CACNA1F gene. It is expected to result in an absent or disrupted protein product. Loss-of-function variants in CACNA1F are known to be pathogenic (PMID: 9662399, 11281458, 17525176, 22194652, 24124559, 26992781). This variant is not present in population databases (gnomAD no frequency). This variant has not been reported in the literature in individuals affected with CACNA1F-related conditions. For these reasons, this variant has been classified as Pathogenic.

Juno Genomics, Hangzhou Juno Genomics, Inc
Classification: Likely pathogenic for Aland island eye disease; X-linked cone-rod dystrophy 3; Congenital stationary night blindness 2A. Review status: criteria provided, single submitter. Criteria: ACMG Guidelines, 2015. Collection method: clinical testing. Allele origin: germline.
Comment: Absent from controls (or at extremely low frequency if recessive) in Genome Aggregation Database.;Null variant in a gene where loss of function (LOF) is a known mechanism of disease.

Literature cited by the submitters: PubMed 9662399 (cited by Labcorp Genetics (formerly Invitae), Labcorp); PubMed 11281458 (cited by Labcorp Genetics (formerly Invitae), Labcorp); PubMed 17525176 (cited by Labcorp Genetics (formerly Invitae), Labcorp); PubMed 22194652 (cited by Labcorp Genetics (formerly Invitae), Labcorp); PubMed 24124559 (cited by Labcorp Genetics (formerly Invitae), Labcorp); PubMed 26992781 (cited by Labcorp Genetics (formerly Invitae), Labcorp).

NM_001256789.3(CACNA1F):c.5436T>A (p.Tyr1812Ter)

Gene: CACNA1F (calcium voltage-gated channel subunit alpha1 F; minus strand). Cytogenetic location: Xp11.23.
Variant type: single nucleotide variant.
Coding change: c.5436T>A on transcript NM_001256789.3 (MANE Select); coding-DNA position 5436, T replaced by A.
Protein change: p.Tyr1812Ter; replaces tyrosine 1812 with a stop codon.
Molecular consequence: nonsense.
Genome position (GRCh38, 1-based): chrX:49,206,547, A>T on the plus strand (T>A on the coding strand, the complement: CACNA1F is on the minus strand). VCF-style: chrX-49206547-A-T. GRCh37 (hg19) VCF-style: chrX-49063008-A-T.
Other names: c.5274T>A, p.Tyr1758Ter (NM_001256790.3); c.5469T>A, p.Tyr1823Ter (NM_005183.4); short protein forms Y1812*, Y1823*, Y1758*.
Identifiers: ClinVar variation 4768873 (VCV004768873.3).